The following is an entry in ClinVar:

ClinVar aggregate classification (germline): Uncertain significance (1 of 4 stars; one submission).

Allele frequency attached by ClinVar (database versions not stated): gnomAD exomes below 0.00001; gnomAD 0.00001; TOPMed 0.00001.
gnomAD v4.1: 3 of 1,613,956 alleles (0.00019%); highest among the groups gnomAD compares: African/African-American, 0.0027%; no homozygotes.

Submission:

Labcorp Genetics (formerly Invitae), Labcorp
Classification: Uncertain significance. Last evaluated: 2025-10-29. Review status: criteria provided, single submitter. Criteria: Invitae Variant Classification Sherloc (09022015). Collection method: clinical testing. Allele origin: germline.
Comment: This sequence change replaces alanine, which is neutral and non-polar, with valine, which is neutral and non-polar, at codon 393 of the FZD4 protein (p.Ala393Val). This variant is not present in population databases (gnomAD no frequency). This variant has not been reported in the literature in individuals affected with FZD4-related conditions. ClinVar contains an entry for this variant (Variation ID: 1410047). Invitae Evidence Modeling of protein sequence and biophysical properties (such as structural, functional, and spatial information, amino acid conservation, physicochemical variation, residue mobility, and thermodynamic stability) indicates that this missense variant is not expected to disrupt FZD4 protein function with a negative predictive value of 80%. In summary, the available evidence is currently insufficient to determine the role of this variant in disease. Therefore, it has been classified as a Variant of Uncertain Significance.

NM_012193.4(FZD4):c.1178C>T (p.Ala393Val)

Genes: FZD4 (frizzled class receptor 4; minus strand), PRSS23 (serine protease 23; plus strand). Cytogenetic location: 11q14.2.
Variant type: single nucleotide variant.
Coding change: c.1178C>T on transcript NM_012193.4 (MANE Select); coding-DNA position 1178, C replaced by T.
Protein change: p.Ala393Val; replaces alanine 393 with valine.
Molecular consequence: missense variant. On other transcripts: non-coding transcript variant (2).
Genome position (GRCh38, 1-based): chr11:86,951,578, G>A on the plus strand (C>T on the coding strand, the complement: FZD4 is on the minus strand). VCF-style: chr11-86951578-G-A. GRCh37 (hg19) VCF-style: chr11-86662620-G-A.
Other names: short protein forms A393V.
Identifiers: ClinVar variation 1410047 (VCV001410047.6), dbSNP rs1949292866, ClinGen allele CA382012633.
Genomic context (GRCh38, chr11:86,951,578, plus strand): 5'-AAGGCCACCAAACCTGCAGCAATGAACAAAGTTCCAATGACCAAATAAGTAAAGAGGGGA[G>A]CCACCACGAACCCGGTGAGGGCATCGAGATTTTGGTTTCCAACATAGCACAAGCCAGTCA-3'
Protein context (NP_036325.2, residues 383-403): NLDALTGFVV[Ala393Val]PLFTYLVIGT